The following is an entry in ClinVar:

NM_001271.4(CHD2):c.633T>G (p.Asp211Glu)

Gene: CHD2 (chromodomain helicase DNA binding protein 2; plus strand). Cytogenetic location: 15q26.1.
Variant type: single nucleotide variant.
Coding change: c.633T>G on transcript NM_001271.4 (MANE Select); coding-DNA position 633, T replaced by G.
Protein change: p.Asp211Glu; replaces aspartic acid 211 with glutamic acid.
Molecular consequence: missense variant.
Genome position (GRCh38, 1-based): chr15:92,939,659, T>G. VCF-style: chr15-92939659-T-G. GRCh37 (hg19) VCF-style: chr15-93482889-T-G.
Other names: c.633T>G, p.Asp211Glu (NM_001042572.3); short protein forms D211E.
Identifiers: ClinVar variation 541365 (VCV000541365.11), dbSNP rs768365369, ClinGen allele CA7747585.

ClinVar aggregate classification (germline): Conflicting classifications of pathogenicity. Review status: criteria provided, conflicting classifications (1 of 4 stars). 2 submissions from 2 submitters: Uncertain significance (1); Likely benign (1). Last evaluated 2026-02-01.

Conditions:
Developmental and epileptic encephalopathy 94 (DEE94). Also called: Epileptic encephalopathy, childhood-onset; CHD2-Related Neurodevelopmental Disorders. Identifiers: Orphanet 1942, Orphanet 2382, MedGen C3809278, MONDO:0014150, OMIM 615369.

Allele frequency attached by ClinVar (database versions not stated): ExAC 0.00001; gnomAD 0.00001; gnomAD exomes 0.00001; TOPMed 0.00001.
gnomAD v4.1: 9 of 1,612,752 alleles (0.00056%); highest among the groups gnomAD compares: Admixed American, 0.0017%; no homozygotes.

Submissions (2):

CeGaT Center for Human Genetics Tuebingen
Classification: Likely benign. Last evaluated: 2026-02-01. Review status: criteria provided, single submitter. Criteria: CeGaT Center For Human Genetics Tuebingen Variant Classification Criteria Version 2. Collection method: clinical testing. Allele origin: germline. Affected: yes. Observed: 1 variant allele.
Comment: CHD2: BP4

Labcorp Genetics (formerly Invitae), Labcorp
Classification: Uncertain significance for Developmental and epileptic encephalopathy 94. Last evaluated: 2025-10-06. Review status: criteria provided, single submitter. Criteria: Invitae Variant Classification Sherloc (09022015). Collection method: clinical testing. Allele origin: germline.
Comment: This sequence change replaces aspartic acid, which is acidic and polar, with glutamic acid, which is acidic and polar, at codon 211 of the CHD2 protein (p.Asp211Glu). This variant is present in population databases (rs768365369, gnomAD 0.003%). This variant has not been reported in the literature in individuals affected with CHD2-related conditions. ClinVar contains an entry for this variant (Variation ID: 541365). Invitae Evidence Modeling of protein sequence and biophysical properties (such as structural, functional, and spatial information, amino acid conservation, physicochemical variation, residue mobility, and thermodynamic stability) indicates that this missense variant is not expected to disrupt CHD2 protein function with a negative predictive value of 95%. In summary, the available evidence is currently insufficient to determine the role of this variant in disease. Therefore, it has been classified as a Variant of Uncertain Significance.